The following is an entry in ClinVar:

ClinVar aggregate classification (germline): Conflicting classifications of pathogenicity. Review status: criteria provided, conflicting classifications (1 of 4 stars). 2 submissions from 2 submitters: Uncertain significance (1); Likely benign (1). Last evaluated 2022-11-25.

Conditions:
Hereditary cancer-predisposing syndrome. Also called: Hereditary Cancer Syndrome; Hereditary neoplastic syndrome; Neoplastic Syndromes, Hereditary; Tumor predisposition. Identifiers: Orphanet 140162, MedGen C0027672, MeSH D009386, MONDO:0015356.

Submissions (2):

Quest Diagnostics Nichols Institute San Juan Capistrano
Classification: Uncertain significance. Last evaluated: 2022-11-25. Review status: criteria provided, single submitter. Criteria: Quest Diagnostics criteria. Collection method: clinical testing. Allele origin: unknown.
Comment: This variant has not been reported in the published literature. It also has not been reported in large, multi-ethnic general populations. Analysis of this variant using software algorithms for the prediction of the effect of nucleotide changes on splicing yielded predictions that this variant does not affect PMS2 mRNA splicing . Based on the available information, we are unable to determine the clinical significance of this variant.

Ambry Genetics
Classification: Likely benign for Hereditary cancer-predisposing syndrome. Last evaluated: 2021-11-06. Review status: criteria provided, single submitter. Criteria: Ambry Variant Classification Scheme 2023. Collection method: clinical testing. Allele origin: germline.

NM_000535.7(PMS2):c.1212T>G (p.Pro404=)

Gene: PMS2 (PMS1 homolog 2, mismatch repair system component; minus strand). Cytogenetic location: 7p22.1.
Variant type: single nucleotide variant.
Coding change: c.1212T>G on transcript NM_000535.7 (MANE Select); coding-DNA position 1212, T replaced by G.
Protein change: p.Pro404=; no amino-acid change (proline 404 retained).
Molecular consequence: synonymous variant. On other transcripts: non-coding transcript variant (1), intron variant (1).
Genome position (GRCh38, 1-based): chr7:5,987,553, A>C on the plus strand (T>G on the coding strand, the complement: PMS2 is on the minus strand). VCF-style: chr7-5987553-A-C. GRCh37 (hg19) VCF-style: chr7-6027184-A-C.
Other names: c.807T>G, p.Pro269= (NM_001018040.1, NM_001322003.2, NM_001322004.2 and 17 more transcripts); c.1056T>G, p.Pro352= (NM_001322006.2, NM_001406870.1); c.894T>G, p.Pro298= (NM_001322007.2, NM_001322008.2, NM_001406876.1 and 2 more transcripts); c.651T>G, p.Pro217= (NM_001322010.2, NM_001406906.1, NM_001406907.1); c.279T>G, p.Pro93= (NM_001322011.2, NM_001322012.2); c.639T>G, p.Pro213= (NM_001322013.2, NM_001406909.1); c.1212T>G, p.Pro404= (NM_001322014.2, NM_001406871.1, NM_001406872.1); c.903T>G, p.Pro301= (NM_001322015.2, NM_001406875.1, NM_001406877.1 and 5 more transcripts); and 14 more.
Identifiers: ClinVar variation 1750850 (VCV001750850.3), dbSNP rs2535833647, ClinGen allele CA453748550.